The following is an entry in ClinVar:

NM_001999.4(FBN2):c.1918A>G (p.Lys640Glu)

Gene: FBN2 (fibrillin 2; minus strand). Cytogenetic location: 5q23.3.
Variant type: single nucleotide variant.
Coding change: c.1918A>G on transcript NM_001999.4 (MANE Select); coding-DNA position 1918, A replaced by G.
Protein change: p.Lys640Glu; replaces lysine 640 with glutamic acid.
Molecular consequence: missense variant.
Genome position (GRCh38, 1-based): chr5:128,376,785, T>C on the plus strand (A>G on the coding strand, the complement: FBN2 is on the minus strand). VCF-style: chr5-128376785-T-C. GRCh37 (hg19) VCF-style: chr5-127712478-T-C.
Other names: short protein forms K640E.
Identifiers: ClinVar variation 4716318 (VCV004716318.1).

ClinVar aggregate classification (germline): Uncertain significance (1 of 4 stars; one submission).

Conditions:
Congenital contractural arachnodactyly (CCA). Also called: Arthrogryposis, distal, type 9; BEALS SYNDROME; Beals-Hecht syndrome. Identifiers: Orphanet 115, MedGen C0220668, MONDO:0007363, OMIM 121050.

Submission:

Labcorp Genetics (formerly Invitae), Labcorp
Classification: Uncertain significance for Congenital contractural arachnodactyly. Last evaluated: 2025-09-04. Review status: criteria provided, single submitter. Criteria: Invitae Variant Classification Sherloc (09022015). Collection method: clinical testing. Allele origin: germline.
Comment: This sequence change replaces lysine, which is basic and polar, with glutamic acid, which is acidic and polar, at codon 640 of the FBN2 protein (p.Lys640Glu). This variant is not present in population databases (gnomAD no frequency). This variant has not been reported in the literature in individuals affected with FBN2-related conditions. Invitae Evidence Modeling of protein sequence and biophysical properties (such as structural, functional, and spatial information, amino acid conservation, physicochemical variation, residue mobility, and thermodynamic stability) has been performed for this missense variant. However, the output from this modeling did not meet the statistical confidence thresholds required to predict the impact of this variant on FBN2 protein function. In summary, the available evidence is currently insufficient to determine the role of this variant in disease. Therefore, it has been classified as a Variant of Uncertain Significance.